The following is an entry in ClinVar:

NM_207122.2(EXT2):c.394G>C (p.Glu132Gln)

Gene: EXT2 (exostosin glycosyltransferase 2; plus strand). Cytogenetic location: 11p11.2.
Variant type: single nucleotide variant.
Coding change: c.394G>C on transcript NM_207122.2 (MANE Select); coding-DNA position 394, G replaced by C.
Protein change: p.Glu132Gln; replaces glutamic acid 132 with glutamine.
Molecular consequence: missense variant.
Genome position (GRCh38, 1-based): chr11:44,108,106, G>C. VCF-style: chr11-44108106-G-C. GRCh37 (hg19) VCF-style: chr11-44129656-G-C.
Other names: c.493G>C, p.Glu165Gln (NM_000401.3); c.394G>C, p.Glu132Gln (NM_001178083.3, NM_001389628.1, NM_001389630.1); short protein forms E165Q, E132Q.
Identifiers: ClinVar variation 1510270 (VCV001510270.8), dbSNP rs1954086080, ClinGen allele CA380180256.

ClinVar aggregate classification (germline): Uncertain significance. Review status: criteria provided, multiple submitters, no conflicts (2 of 4 stars). 3 submissions from 3 submitters: Uncertain significance (3). Last evaluated 2023-06-09.

Conditions:
Exostoses, multiple, type 2 (EXT2). Also called: Hereditary Multiple Osteochondromatosis, Type II; EXOSTOSES, MULTIPLE, TYPE II. Identifiers: Orphanet 321, MedGen C1851413, MONDO:0007586, OMIM 133701.

Allele frequency attached by ClinVar (database versions not stated): TOPMed below 0.00001.

Submissions (3):

Baylor Genetics
Classification: Uncertain significance for Exostoses, multiple, type 2. Last evaluated: 2023-06-09. Review status: criteria provided, single submitter. Criteria: ACMG Guidelines, 2015. Collection method: clinical testing. Allele origin: unknown.

Labcorp Genetics (formerly Invitae), Labcorp
Classification: Uncertain significance for Exostoses, multiple, type 2. Last evaluated: 2022-07-19. Review status: criteria provided, single submitter. Criteria: Invitae Variant Classification Sherloc (09022015). Collection method: clinical testing. Allele origin: germline.
Comment: ClinVar contains an entry for this variant (Variation ID: 1510270). Algorithms developed to predict the effect of missense changes on protein structure and function (SIFT, PolyPhen-2, Align-GVGD) all suggest that this variant is likely to be tolerated. In summary, the available evidence is currently insufficient to determine the role of this variant in disease. Therefore, it has been classified as a Variant of Uncertain Significance. This sequence change replaces glutamic acid, which is acidic and polar, with glutamine, which is neutral and polar, at codon 132 of the EXT2 protein (p.Glu132Gln). This variant has not been reported in the literature in individuals affected with EXT2-related conditions. This variant is not present in population databases (gnomAD no frequency).

GeneDx
Classification: Uncertain significance. Last evaluated: 2022-02-18. Review status: criteria provided, single submitter. Criteria: GeneDx Variant Classification Process June 2021. Collection method: clinical testing. Allele origin: germline. Affected: yes.
Comment: Not observed at significant frequency in large population cohorts (gnomAD); In silico analysis supports that this missense variant does not alter protein structure/function; Has not been previously published as pathogenic or benign to our knowledge